The following is an entry in ClinVar:

ClinVar aggregate classification (germline): Conflicting classifications of pathogenicity. Review status: criteria provided, conflicting classifications (1 of 4 stars). 3 submissions from 3 submitters: Uncertain significance (1); Likely benign (1). 1 of the submissions does not count toward it. Last evaluated 2025-12-16.

Conditions:
Usher syndrome type 1F (USH1F). Also called: USHER SYNDROME, TYPE IF. Identifiers: Orphanet 231169, Orphanet 886, MedGen C1865885, MONDO:0011186, OMIM 602083.
PCDH15-related disorder. Also called: PCDH15-related disorders; PCDH15-related condition.

Submissions (3):

Labcorp Genetics (formerly Invitae), Labcorp
Classification: Likely benign. Last evaluated: 2025-12-16. Review status: criteria provided, single submitter. Criteria: Invitae Variant Classification Sherloc (09022015). Collection method: clinical testing. Allele origin: germline.

PreventionGenetics, part of Exact Sciences
Classification: Uncertain significance for PCDH15-related condition. Last evaluated: 2025-11-07. Review status: criteria provided, single submitter. Criteria: ACMG Guidelines, 2015. Collection method: clinical testing. Allele origin: germline.
Comment: The PCDH15 c.5257_5271del15 variant is predicted to result in an in-frame deletion (p.Ile1753_Ser1757del). To our knowledge, this variant has not been reported in the literature. This variant is reported in 0.0034% of alleles in individuals of South Asian descent in gnomAD. At this time, the clinical significance of this variant is uncertain due to the absence of conclusive functional and genetic evidence.

Natera, Inc.
Classification: Uncertain significance for Usher syndrome type 1F. Last evaluated: 2020-07-30. Review status: no assertion criteria provided. Collection method: clinical testing. Allele origin: germline. Not counted in ClinVar's aggregate classification.

NM_033056.4(PCDH15):c.5257_5271del (p.Ile1753_Ser1757del)

Gene: PCDH15 (protocadherin related 15; minus strand). Cytogenetic location: 10q21.1.
Variant type: Deletion.
Coding change: c.5257_5271del on transcript NM_033056.4 (MANE Plus Clinical); coding-DNA positions 5257 to 5271, 15 bases deleted (ATTTCTCCTCCTTCT).
Protein change: p.Ile1753_Ser1757del.
Molecular consequence: inframe deletion. On other transcripts: intron variant (8).
Genome position (GRCh38, 1-based): chr10:53,822,455-53,822,469, AGAAGGAGGAGAAAT deleted on the plus strand (ATTTCTCCTCCTTCT on the coding strand, the reverse complement: PCDH15 is on the minus strand); deleting any 15 consecutive bases within chr10:53,822,455-53,822,471 gives the same sequence; the c. name uses the placement nearest the transcript's 3' end. VCF-style (leftmost placement, unchanged base first): chr10-53822454-GAGAAGGAGGAGAAAT-G. GRCh37 (hg19) VCF-style: chr10-55582214-GAGAAGGAGGAGAAAT-G.
Other names: c.5278_5292del, p.Ile1760_Ser1764del (NM_001142763.2); c.5263_5277del, p.Ile1755_Ser1759del (NM_001142764.2); c.5050_5064del, p.Ile1684_Ser1688del (NM_001142765.2); c.5248_5262del, p.Ile1750_Ser1754del (NM_001142766.2); c.5137_5151del, p.Ile1713_Ser1717del (NM_001142767.2); c.5197_5211del, p.Ile1733_Ser1737del (NM_001142768.2); c.5188_5202del, p.Ile1730_Ser1734del (NM_001142773.2); c.5191_5205del, p.Ile1731_Ser1735del (NM_001354404.2); and 8 more.
Identifiers: ClinVar variation 858367 (VCV000858367.11), dbSNP rs777129729, ClinGen allele CA5505086.